The following is an entry in ClinVar:

NM_021020.5(LZTS1):c.979G>A (p.Ala327Thr)

Gene: LZTS1 (leucine zipper tumor suppressor 1; minus strand). Cytogenetic location: 8p21.3.
Variant type: single nucleotide variant.
Coding change: c.979G>A on transcript NM_021020.5 (MANE Select); coding-DNA position 979, G replaced by A.
Protein change: p.Ala327Thr; replaces alanine 327 with threonine.
Molecular consequence: missense variant.
Genome position (GRCh38, 1-based): chr8:20,252,952, C>T on the plus strand (G>A on the coding strand, the complement: LZTS1 is on the minus strand). VCF-style: chr8-20252952-C-T. GRCh37 (hg19) VCF-style: chr8-20110463-C-T.
Other names: c.979G>A, p.Ala327Thr (NM_001362884.2); short protein forms A327T.
Identifiers: ClinVar variation 2154752 (VCV002154752.4), dbSNP rs141696144, ClinGen allele CA4657393.

ClinVar aggregate classification (germline): Uncertain significance (1 of 4 stars; one submission).

Allele frequency attached by ClinVar (database versions not stated): ExAC 0.00003; gnomAD exomes 0.00005; gnomAD 0.00007; ESP Exome Variant Server 0.00015.
gnomAD v4.1: 78 of 1,592,870 alleles (0.0049%); highest among the groups gnomAD compares: Admixed American, 0.023%; no homozygotes.

Submission:

Labcorp Genetics (formerly Invitae), Labcorp
Classification: Uncertain significance. Last evaluated: 2022-07-07. Review status: criteria provided, single submitter. Criteria: Invitae Variant Classification Sherloc (09022015). Collection method: clinical testing. Allele origin: germline.
Comment: Algorithms developed to predict the effect of missense changes on protein structure and function output the following: SIFT: "Tolerated"; PolyPhen-2: "Benign"; Align-GVGD: "Class C0". The threonine amino acid residue is found in multiple mammalian species, which suggests that this missense change does not adversely affect protein function. In summary, the available evidence is currently insufficient to determine the role of this variant in disease. Therefore, it has been classified as a Variant of Uncertain Significance. This variant is present in population databases (rs141696144, gnomAD 0.02%). This variant has not been reported in the literature in individuals affected with LZTS1-related conditions. This sequence change replaces alanine, which is neutral and non-polar, with threonine, which is neutral and polar, at codon 327 of the LZTS1 protein (p.Ala327Thr).